The following is an entry in ClinVar:

ClinVar aggregate classification (germline): Uncertain significance (1 of 4 stars; one submission).

Conditions:
Parathyroid carcinoma (PRTC). Also called: CDC73-Related Parathyroid Carcinoma; Parathyroid gland carcinoma. Identifiers: Orphanet 143, MedGen C0687150, MONDO:0012004, OMIM 608266, HP:0006780.

Submission:

Labcorp Genetics (formerly Invitae), Labcorp
Classification: Uncertain significance for Parathyroid carcinoma. Last evaluated: 2021-10-06. Review status: criteria provided, single submitter. Criteria: Invitae Variant Classification Sherloc (09022015). Collection method: clinical testing. Allele origin: germline.
Comment: In summary, the available evidence is currently insufficient to determine the role of this variant in disease. Therefore, it has been classified as a Variant of Uncertain Significance. Experimental studies have shown that this missense change affects CDC73 function (PMID: 24340015). Algorithms developed to predict the effect of missense changes on protein structure and function are either unavailable or do not agree on the potential impact of this missense change (SIFT: "Tolerated"; PolyPhen-2: "Possibly Damaging"; Align-GVGD: "Class C0"). This variant has not been reported in the literature in individuals affected with CDC73-related conditions. This variant is not present in population databases (ExAC no frequency). This sequence change replaces arginine with proline at codon 77 of the CDC73 protein (p.Arg77Pro). The arginine residue is moderately conserved and there is a moderate physicochemical difference between arginine and proline.

Literature cited by the submitters: PubMed 24340015.

NM_024529.5(CDC73):c.230G>C (p.Arg77Pro)

Gene: CDC73 (cell division cycle 73; plus strand). Cytogenetic location: 1q31.2.
Variant type: single nucleotide variant.
Coding change: c.230G>C on transcript NM_024529.5 (MANE Select); coding-DNA position 230, G replaced by C.
Protein change: p.Arg77Pro; replaces arginine 77 with proline.
Molecular consequence: missense variant.
Genome position (GRCh38, 1-based): chr1:193,125,210, G>C. VCF-style: chr1-193125210-G-C. GRCh37 (hg19) VCF-style: chr1-193094340-G-C.
Other names: short protein forms R77P.
Identifiers: ClinVar variation 1448839 (VCV001448839.6), dbSNP rs1572142617, ClinGen allele CA343973246.